The following is an entry in ClinVar:

ClinVar aggregate classification (germline): Likely pathogenic (1 of 4 stars; one submission).

Conditions:
Leber congenital amaurosis (LCA). Also called: Leber's amaurosis. Identifiers: Orphanet 65, MedGen C0339527, MeSH D057130, MONDO:0018998.

Submission:

Women's Health and Genetics/Laboratory Corporation of America, LabCorp
Classification: Likely pathogenic for Leber congenital amaurosis. Last evaluated: 2022-05-27. Review status: criteria provided, single submitter. Criteria: LabCorp Variant Classification Summary - May 2015. Collection method: clinical testing. Allele origin: germline.
Comment: Variant summary: The variant identified by MLPA or other technology involves the deletion of exons 11-12 in the RPE65 gene. A presumed nomenclature of c.(1128+1_1129-1)_(1338+1_1339-1)del has been designated for the purposes of this classification. Although exact breakpoints of this deletion are not known, it is expected to result in an in-frame deletion in the RPE65 gene, removing 70 amino acids (the predicted protein level effect of the variant is Ala377_Arg446del). The variant was absent in 21694 control chromosomes (gnomAD Structural Variants Dataset). To our knowledge, no occurrence of c.(1128+1_1129-1)_(1338+1_1339-1)del in individuals affected with Leber Congenital Amaurosis and no experimental evidence demonstrating its impact on protein function have been reported. However, in the deleted region several missense variants have been reported in affected individuals (HGMD), indicating the functional importance of this part of the protein. No clinical diagnostic laboratories have submitted clinical-significance assessments for this variant to ClinVar after 2014. Based on the evidence outlined above, the variant was classified as likely pathogenic.

NC_000001.10:g.(68896860_68896964)_(68897269_68903869)del

Gene: RPE65 (retinoid isomerohydrolase RPE65; minus strand). Cytogenetic location: 1p31.3-31.2.
Variant type: Deletion.
Identifiers: ClinVar variation 1696123 (VCV001696123.1).